The following is an entry in ClinVar:

NM_177438.3(DICER1):c.2468G>A (p.Gly823Glu)

Gene: DICER1 (dicer 1, ribonuclease III; minus strand). Cytogenetic location: 14q32.13.
Variant type: single nucleotide variant.
Coding change: c.2468G>A on transcript NM_177438.3 (MANE Select); coding-DNA position 2468, G replaced by A.
Protein change: p.Gly823Glu; replaces glycine 823 with glutamic acid.
Molecular consequence: missense variant. On other transcripts: non-coding transcript variant (6).
Genome position (GRCh38, 1-based): chr14:95,108,062, C>T on the plus strand (G>A on the coding strand, the complement: DICER1 is on the minus strand). VCF-style: chr14-95108062-C-T. GRCh37 (hg19) VCF-style: chr14-95574399-C-T.
Other names: c.2468G>A, p.Gly823Glu (NM_001195573.1, NM_001271282.3, NM_001291628.2 and 13 more transcripts); c.2186G>A, p.Gly729Glu (NM_001395686.1); c.2063G>A, p.Gly688Glu (NM_001395687.1, NM_001395688.1, NM_001395689.1 and 2 more transcripts); c.1901G>A, p.Gly634Glu (NM_001395691.1); c.785G>A, p.Gly262Glu (NM_001395697.1); short protein forms G262E, G634E, G688E, G729E, G823E.
Identifiers: ClinVar variation 2507046 (VCV002507046.2), dbSNP rs2140026275, ClinGen allele CA390881967.

ClinVar aggregate classification (germline): Uncertain significance (1 of 4 stars; one submission).

Submission:

GeneDx
Classification: Uncertain significance. Last evaluated: 2025-02-06. Review status: criteria provided, single submitter. Criteria: GeneDx Variant Classification Process June 2021. Collection method: clinical testing. Allele origin: germline. Affected: yes.
Comment: Not observed at significant frequency in large population cohorts (gnomAD); In silico analysis supports that this missense variant has a deleterious effect on protein structure/function; Has not been previously published as pathogenic or benign to our knowledge